The following is an entry in ClinVar:

NM_004519.4(KCNQ3):c.1059C>T (p.Ser353=)

Gene: KCNQ3 (potassium voltage-gated channel subfamily Q member 3; minus strand). Cytogenetic location: 8q24.22.
Variant type: single nucleotide variant.
Coding change: c.1059C>T on transcript NM_004519.4 (MANE Select); coding-DNA position 1059, C replaced by T.
Protein change: p.Ser353=; no amino-acid change (serine 353 retained).
Molecular consequence: synonymous variant.
Genome position (GRCh38, 1-based): chr8:132,172,679, G>A on the plus strand (C>T on the coding strand, the complement: KCNQ3 is on the minus strand). VCF-style: chr8-132172679-G-A. GRCh37 (hg19) VCF-style: chr8-133184926-G-A.
Other names: p.S353S:TCC>TCT; c.699C>T, p.Ser233= (NM_001204824.2).
Identifiers: ClinVar variation 129346 (VCV000129346.23), dbSNP rs35413925, ClinGen allele CA288941.
Genomic context (GRCh38, chr8:132,172,679, plus strand): 5'-CTTCCTCCTTTTCTCAAAGTGCTTCTGACGGTGTTGCTCCTGCACCTTGAGGGCCAGCCC[G>A]GACCCCAGGATGCCCTGGAGGGAGAGGCAGGCAGGCAGTCAGCCCCCAGCTAGACTGTCC-3'
Protein context (NP_004510.1, residues 343-363): FFALPAGILG[Ser353=]GLALKVQEQH

ClinVar aggregate classification (germline): Benign/Likely benign. Review status: criteria provided, multiple submitters, no conflicts (2 of 4 stars). 6 submissions from 6 submitters: Benign (4); Likely benign (1). 1 of the submissions does not count toward it. Last evaluated 2026-02-02.

Conditions:
Inborn genetic diseases. Identifiers: MedGen C0950123, MeSH D030342.
Benign neonatal seizures. Also called: Benign familial neonatal epilepsy; Benign familial neonatal seizures; Benign neonatal familial convulsions; Convulsions benign familial neonatal dominant form; Autosomal dominant form of benign neonatal seizures. Identifiers: Orphanet 1949, MedGen C0220669, MONDO:0016027.
Seizures, benign familial neonatal, 2. Also called: KCNQ3-Related Benign Familial Neonatal Epilepsy; KCNQ3-Related Self-Limited Familial Neonatal Epilepsy (SLFNE); Benign Neonatal Epilepsy 2; Seizures, benign neonatal, 2; CONVULSIONS, BENIGN FAMILIAL NEONATAL, 2. Identifiers: Orphanet 1949, MedGen C1852581, MONDO:0007366, OMIM 121201.

Allele frequency attached by ClinVar (database versions not stated): ExAC 0.00258; 1000 Genomes Project 30x 0.00859; ESP Exome Variant Server 0.00938; gnomAD exomes 0.00212; 1000 Genomes Project 0.00799; gnomAD 0.01009 and 0.00944; TOPMed 0.01030.
gnomAD v4.1: 2,720 of 1,613,508 alleles (0.17%); highest among the groups gnomAD compares: African/African-American, 3.3%; 43 homozygotes.

Submissions (6):

Labcorp Genetics (formerly Invitae), Labcorp
Classification: Benign for Benign neonatal seizures. Last evaluated: 2026-02-02. Review status: criteria provided, single submitter. Criteria: Invitae Variant Classification Sherloc (09022015). Collection method: clinical testing. Allele origin: germline.

Fulgent Genetics
Classification: Likely benign for Seizures, benign familial neonatal, 2. Last evaluated: 2021-12-23. Review status: criteria provided, single submitter. Criteria: ACMG Guidelines, 2015. Collection method: clinical testing. Allele origin: unknown.

Ambry Genetics
Classification: Benign for Inborn genetic diseases. Last evaluated: 2016-03-24. Review status: criteria provided, single submitter. Criteria: Ambry Variant Classification Scheme 2023. Collection method: clinical testing. Allele origin: germline.

GeneDx
Classification: Benign. Last evaluated: 2013-02-07. Review status: criteria provided, single submitter. Criteria: GeneDx Variant Classification (06012015). Collection method: clinical testing. Allele origin: germline. Affected: yes.
Comment: This variant is considered likely benign or benign based on one or more of the following criteria: it is a conservative change, it occurs at a poorly conserved position in the protein, it is predicted to be benign by multiple in silico algorithms, and/or has population frequency not consistent with disease.

Breakthrough Genomics
Classification: Benign. Review status: criteria provided, single submitter. Criteria: ACMG Guidelines, 2015. Collection method: not provided. Allele origin: germline. Inheritance: Autosomal dominant inheritance. Affected: yes.

Genetic Services Laboratory, University of Chicago
Classification: Likely benign for AllHighlyPenetrant. Review status: no assertion criteria provided. Collection method: clinical testing. Allele origin: germline. Inheritance: Autosomal dominant inheritance. Not counted in ClinVar's aggregate classification.
Comment: Likely benign based on allele frequency in 1000 Genomes Project or ESP global frequency and its presence in a patient with a rare or unrelated disease phenotype. NOT Sanger confirmed.